The following is an entry in ClinVar:

ClinVar aggregate classification (germline): Uncertain significance (1 of 4 stars; one submission).

gnomAD v4.1: 4 of 1,493,928 alleles (0.00027%); highest among the groups gnomAD compares: Admixed American, 0.0086%; no homozygotes.

Submission:

Labcorp Genetics (formerly Invitae), Labcorp
Classification: Uncertain significance. Last evaluated: 2025-10-28. Review status: criteria provided, single submitter. Criteria: Invitae Variant Classification Sherloc (09022015). Collection method: clinical testing. Allele origin: germline.
Comment: This sequence change replaces proline, which is neutral and non-polar, with threonine, which is neutral and polar, at codon 43 of the AVP protein (p.Pro43Thr). The frequency data for this variant in the population databases is considered unreliable, as metrics indicate poor data quality at this position in the gnomAD database. This variant has not been reported in the literature in individuals affected with AVP-related conditions. An algorithm developed to predict the effect of missense changes on protein structure and function (PolyPhen-2) suggests that this variant is likely to be disruptive. In summary, the available evidence is currently insufficient to determine the role of this variant in disease. Therefore, it has been classified as a Variant of Uncertain Significance.

NM_000490.5(AVP):c.127C>A (p.Pro43Thr)

Gene: AVP (arginine vasopressin; minus strand). Cytogenetic location: 20p13.
Variant type: single nucleotide variant.
Coding change: c.127C>A on transcript NM_000490.5 (MANE Select); coding-DNA position 127, C replaced by A.
Protein change: p.Pro43Thr; replaces proline 43 with threonine.
Molecular consequence: missense variant.
Genome position (GRCh38, 1-based): chr20:3,083,172, G>T on the plus strand (C>A on the coding strand, the complement: AVP is on the minus strand). VCF-style: chr20-3083172-G-T. GRCh37 (hg19) VCF-style: chr20-3063818-G-T.
Other names: short protein forms P43T.
Identifiers: ClinVar variation 4707926 (VCV004707926.1).